The following is an entry in ClinVar:

ClinVar aggregate classification (germline): Pathogenic (1 of 4 stars; one submission).

Conditions:
Tay-Sachs disease (TSD). Also called: Hexosaminidase A Deficiency; HEXA Disorders; HEXA DEFICIENCY; GM2 gangliosidosis, type 1; Hexosaminidase alpha-subunit deficiency (variant B); Sphingolipidosis, Tay-Sachs. Identifiers: Orphanet 845, MedGen C0039373, MONDO:0010100, OMIM 272800.

Submission:

Foundation for Research in Genetics and Endocrinology, FRIGE's Institute of Human Genetics
Classification: Pathogenic for Tay-Sachs disease. Last evaluated: 2011-10-02. Review status: criteria provided, single submitter. Criteria: Submitter's publication. Collection method: research. Allele origin: germline. Inheritance: Autosomal recessive inheritance. Affected: yes. Observed: 1 variant allele, 1 homozygote.
Comment: This variant found to be pathogenic by online software, including MutationTaster, Polyphen2 and SIFT.

NM_000520.6(HEXA):c.1178G>C (p.Arg393Pro)

Gene: HEXA (hexosaminidase subunit alpha; minus strand). Cytogenetic location: 15q23.
Variant type: single nucleotide variant.
Coding change: c.1178G>C on transcript NM_000520.6 (MANE Select); coding-DNA position 1178, G replaced by C.
Protein change: p.Arg393Pro; replaces arginine 393 with proline.
Molecular consequence: missense variant.
Genome position (GRCh38, 1-based): chr15:72,346,679, C>G on the plus strand (G>C on the coding strand, the complement: HEXA is on the minus strand). VCF-style: chr15-72346679-C-G. GRCh37 (hg19) VCF-style: chr15-72639020-C-G.
Other names: c.1211G>C, p.Arg404Pro (NM_001318825.2); short protein forms R393P, R404P.
Identifiers: ClinVar variation 218337 (VCV000218337.2), dbSNP rs370266293, ClinGen allele CA277861.